The following is an entry in ClinVar:

ClinVar aggregate classification (germline): Conflicting classifications of pathogenicity. Review status: criteria provided, conflicting classifications (1 of 4 stars). 3 submissions from 3 submitters: Uncertain significance (2); Likely benign (1). Last evaluated 2023-04-20.

Conditions:
Hereditary cancer-predisposing syndrome. Also called: Hereditary Cancer Syndrome; Tumor predisposition; Neoplastic Syndromes, Hereditary; Hereditary neoplastic syndrome. Identifiers: Orphanet 140162, MedGen C0027672, MeSH D009386, MONDO:0015356.
Ataxia-telangiectasia syndrome (AT). Also called: ATAXIA-TELANGIECTASIA, COMPLEMENTATION GROUP A; ATAXIA-TELANGIECTASIA, FRESNO VARIANT; Ataxia-telangiectasia; Ataxia-telangiectasia, complementation group E; Cerebello-oculocutaneous telangiectasia; Immunodeficiency with ataxia telangiectasia. Identifiers: Orphanet 100, MedGen C0004135, MONDO:0008840, OMIM 208900.

Submissions (3):

Labcorp Genetics (formerly Invitae), Labcorp
Classification: Likely benign for Ataxia-telangiectasia syndrome. Last evaluated: 2023-04-20. Review status: criteria provided, single submitter. Criteria: Invitae Variant Classification Sherloc (09022015). Collection method: clinical testing. Allele origin: germline.

Color Diagnostics, LLC DBA Color Health
Classification: Uncertain significance for Hereditary cancer-predisposing syndrome. Last evaluated: 2018-07-21. Review status: criteria provided, single submitter. Criteria: ACMG Guidelines, 2015. Collection method: clinical testing. Allele origin: germline.

GeneDx
Classification: Uncertain significance. Last evaluated: 2014-10-08. Review status: criteria provided, single submitter. Criteria: GeneDx Variant Classification (06012015). Collection method: clinical testing. Allele origin: germline. Affected: yes.
Comment: his variant is denoted ATM c.8786+19delA or IVS60+19delA and consists of a deletion of one nucleotide at the +19 position of intron 60 of the ATM gene. The normal sequence with the base that is deleted in brackets is gtaa[dela]ggag. Multiple in silico models predict this variant to create a cryptic donor site, and to possibly cause abnormal gene splicing. However, in the absence of RNA or functional studies, the actual effect of this variant is unknown. ATM c.8786+19delA was not observed in approximately 6,500 individuals of European and African American ancestry in the NHLBI Exome Sequencing Project, indicating it is not a common benign variant in these populations. This variant has not, to our knowledge, been published in the literature as pathogenic or benign. The adenine (A) nucleotide that is deleted is highly variable among mammals. Based on currently available information, it is unclear whether ATM c.8786+19delA is pathogenic or benign. We consider it to be a variant of uncertain significance.

NM_000051.4(ATM):c.8786+19del

Genes: ATM (ATM serine/threonine kinase; plus strand), C11orf65 (chromosome 11 open reading frame 65; minus strand). Cytogenetic location: 11q22.3.
Variant type: Deletion.
Coding change: c.8786+19del on transcript NM_000051.4 (MANE Select); 19 bases into the intron after coding-DNA position 8786, one base deleted (A; older notation c.8786+19delA).
Molecular consequence: intron variant.
Genome position (GRCh38, 1-based): chr11:108,353,899, A deleted; the last of 3 consecutive A bases (chr11:108,353,897-108,353,899); deleting any one gives the same sequence. VCF-style (leftmost placement, unchanged base first): chr11-108353896-TA-T. GRCh37 (hg19) VCF-style: chr11-108224623-TA-T.
Other names: c.8786+19delA (NM_000051.3); c.8786+19del (NM_001351834.2); c.640+32023del (NM_001330368.2); c.695-18605del (NM_001351110.2).
Identifiers: ClinVar variation 181878 (VCV000181878.10), dbSNP rs730881307, ClinGen allele CA298021.